The following is an entry in ClinVar:

ClinVar aggregate classification (germline): Likely pathogenic (1 of 4 stars; one submission).

Conditions:
TNPO2-related disorder. Also called: TNPO2-related condition.

Submission:

PreventionGenetics, part of Exact Sciences
Classification: Likely pathogenic for TNPO2-related condition. Last evaluated: 2024-12-04. Review status: criteria provided, single submitter. Criteria: ACMG Guidelines, 2015. Collection method: clinical testing. Allele origin: germline.
Comment: The TNPO2 c.1541C>T variant is predicted to result in the amino acid substitution p.Pro514Leu. This variant was reported to be de novo in a patient with global developmental delay, dysmorphic features, ophthalmologic abnormalities, and neurological features (patient 10 in Goodman et al. 2021. PubMed ID: 34314705). This variant has not been reported in a large population database (gnomAD), indicating this variant is rare. This variant is interpreted as likely pathogenic.

NM_001382241.1(TNPO2):c.1541C>T (p.Pro514Leu)

Gene: TNPO2 (transportin 2; minus strand). Cytogenetic location: 19p13.13.
Variant type: single nucleotide variant.
Coding change: c.1541C>T on transcript NM_001382241.1 (MANE Select); coding-DNA position 1541, C replaced by T.
Protein change: p.Pro514Leu; replaces proline 514 with leucine.
Molecular consequence: missense variant. On other transcripts: non-coding transcript variant (6).
Genome position (GRCh38, 1-based): chr19:12,706,323, G>A on the plus strand (C>T on the coding strand, the complement: TNPO2 is on the minus strand). VCF-style: chr19-12706323-G-A. GRCh37 (hg19) VCF-style: chr19-12817137-G-A.
Other names: c.1541C>T, p.Pro514Leu (NM_001136195.2, NM_001136196.2, NM_001382236.1 and 7 more transcripts); short protein forms P514L.
Identifiers: ClinVar variation 2635269 (VCV002635269.2), dbSNP rs2512652630, ClinGen allele CA404241871.